The following is an entry in ClinVar:

NM_001197104.2(KMT2A):c.10003T>C (p.Ser3335Pro)

Gene: KMT2A (lysine methyltransferase 2A; plus strand). Cytogenetic location: 11q23.3.
Variant type: single nucleotide variant.
Coding change: c.10003T>C on transcript NM_001197104.2 (MANE Select); coding-DNA position 10003, T replaced by C.
Protein change: p.Ser3335Pro; replaces serine 3335 with proline.
Molecular consequence: missense variant.
Genome position (GRCh38, 1-based): chr11:118,505,895, T>C. VCF-style: chr11-118505895-T-C. GRCh37 (hg19) VCF-style: chr11-118376610-T-C.
Other names: c.10093T>C, p.Ser3365Pro (NM_001412597.1); c.9994T>C, p.Ser3332Pro (NM_005933.4); short protein forms S3335P, S3332P, S3365P.
Identifiers: ClinVar variation 2788231 (VCV002788231.3), dbSNP rs2497025475, ClinGen allele CA382822446.
Genomic context (GRCh38, chr11:118,505,895, plus strand): 5'-ACAGCGGCAGGCACATCAACAATAAGCCAGGATACTAGCCACCTCACATCAGGGTCTGTG[T>C]CTGGCTTGGCATCCAGTTCCTCTGTCTTGAATGTTGTATCCATGCAAACTACCACAACCC-3'
Protein context (NP_001184033.1, residues 3325-3345): DTSHLTSGSV[Ser3335Pro]GLASSSSVLN

ClinVar aggregate classification (germline): Uncertain significance (1 of 4 stars; one submission).

Submission:

Labcorp Genetics (formerly Invitae), Labcorp
Classification: Uncertain significance. Last evaluated: 2023-02-08. Review status: criteria provided, single submitter. Criteria: Invitae Variant Classification Sherloc (09022015). Collection method: clinical testing. Allele origin: germline.
Comment: In summary, the available evidence is currently insufficient to determine the role of this variant in disease. Therefore, it has been classified as a Variant of Uncertain Significance. Advanced modeling of protein sequence and biophysical properties (such as structural, functional, and spatial information, amino acid conservation, physicochemical variation, residue mobility, and thermodynamic stability) performed at Invitae indicates that this missense variant is not expected to disrupt KMT2A protein function. This variant has not been reported in the literature in individuals affected with KMT2A-related conditions. This variant is not present in population databases (gnomAD no frequency). This sequence change replaces serine, which is neutral and polar, with proline, which is neutral and non-polar, at codon 3335 of the KMT2A protein (p.Ser3335Pro).